The following is an entry in ClinVar:

NM_024577.4(SH3TC2):c.2909A>G (p.Tyr970Cys)

Gene: SH3TC2 (SH3 domain and tetratricopeptide repeats 2; minus strand). Cytogenetic location: 5q32.
Variant type: single nucleotide variant.
Coding change: c.2909A>G on transcript NM_024577.4 (MANE Select); coding-DNA position 2909, A replaced by G.
Protein change: p.Tyr970Cys; replaces tyrosine 970 with cysteine.
Molecular consequence: missense variant.
Genome position (GRCh38, 1-based): chr5:149,026,716, T>C on the plus strand (A>G on the coding strand, the complement: SH3TC2 is on the minus strand). VCF-style: chr5-149026716-T-C. GRCh37 (hg19) VCF-style: chr5-148406279-T-C.
Other names: short protein forms Y970C.
Identifiers: ClinVar variation 2182535 (VCV002182535.4), dbSNP rs1754069748, ClinGen allele CA361665349.

ClinVar aggregate classification (germline): Uncertain significance (1 of 4 stars; one submission).

Conditions:
Charcot-Marie-Tooth disease type 4. Also called: Charcot-Marie-Tooth disease, type IV; Charcot-Marie-Tooth, Type 4. Identifiers: Orphanet 64749, MedGen C4082197, MONDO:0018995.

Allele frequency attached by ClinVar (database versions not stated): gnomAD exomes below 0.00001.
gnomAD v4.1: 1 of 1,614,162 alleles (0.000062%); highest among the groups gnomAD compares: Non-Finnish European, 0.000085%; no homozygotes.

Submission:

Labcorp Genetics (formerly Invitae), Labcorp
Classification: Uncertain significance for Charcot-Marie-Tooth disease type 4. Last evaluated: 2022-02-02. Review status: criteria provided, single submitter. Criteria: Invitae Variant Classification Sherloc (09022015). Collection method: clinical testing. Allele origin: germline.
Comment: In summary, the available evidence is currently insufficient to determine the role of this variant in disease. Therefore, it has been classified as a Variant of Uncertain Significance. Advanced modeling of protein sequence and biophysical properties (such as structural, functional, and spatial information, amino acid conservation, physicochemical variation, residue mobility, and thermodynamic stability) performed at Invitae indicates that this missense variant is not expected to disrupt SH3TC2 protein function. This variant has not been reported in the literature in individuals affected with SH3TC2-related conditions. This variant is not present in population databases (gnomAD no frequency). This sequence change replaces tyrosine, which is neutral and polar, with cysteine, which is neutral and slightly polar, at codon 970 of the SH3TC2 protein (p.Tyr970Cys).